The following is an entry in ClinVar:

ClinVar aggregate classification (germline): Uncertain significance (1 of 4 stars; one submission).

gnomAD v4.1: 1 of 1,613,916 alleles (0.000062%); highest among the groups gnomAD compares: African/African-American, 0.0013%; no homozygotes.

Submission:

GeneDx
Classification: Uncertain significance. Last evaluated: 2024-09-27. Review status: criteria provided, single submitter. Criteria: GeneDx Variant Classification Process June 2021. Collection method: clinical testing. Allele origin: germline. Affected: yes.
Comment: Not observed at significant frequency in large population cohorts (gnomAD); In silico analysis supports that this missense variant has a deleterious effect on protein structure/function; Has not been previously published as pathogenic or benign to our knowledge

NM_001394998.1(TANC2):c.668C>T (p.Thr223Ile)

Gene: TANC2 (tetratricopeptide repeat, ankyrin repeat and coiled-coil containing 2; plus strand). Cytogenetic location: 17q23.3.
Variant type: single nucleotide variant.
Coding change: c.668C>T on transcript NM_001394998.1 (MANE Select); coding-DNA position 668, C replaced by T.
Protein change: p.Thr223Ile; replaces threonine 223 with isoleucine.
Molecular consequence: missense variant.
Genome position (GRCh38, 1-based): chr17:63,200,856, C>T. VCF-style: chr17-63200856-C-T. GRCh37 (hg19) VCF-style: chr17-61278217-C-T.
Other names: c.446C>T, p.Thr149Ile (NM_001411076.1, NM_025185.4); short protein forms T149I, T223I.
Identifiers: ClinVar variation 3774799 (VCV003774799.1).